The following is an entry in ClinVar:

ClinVar aggregate classification (germline): Benign (0 of 4 stars; one submission).

Conditions:
BAZ2B-related disorder. Also called: BAZ2B-related condition.

Allele frequency attached by ClinVar (database versions not stated): 1000 Genomes Project 0.09904; TOPMed 0.11147; gnomAD 0.11447; ExAC 0.11574; gnomAD exomes 0.11920; ESP Exome Variant Server 0.12417.
gnomAD v4.1: 191,217 of 1,604,686 alleles (12%); highest among the groups gnomAD compares: Middle Eastern, 21%; 12,652 homozygotes.

Submission:

PreventionGenetics, part of Exact Sciences
Classification: Benign for BAZ2B-related condition. Last evaluated: 2019-11-13. Review status: no assertion criteria provided. Collection method: clinical testing. Allele origin: germline.
Comment: This variant is classified as benign based on ACMG/AMP sequence variant interpretation guidelines (Richards et al. 2015 PMID: 25741868, with internal and published modifications).

NM_013450.4(BAZ2B):c.697-9G>A

Gene: BAZ2B (bromodomain adjacent to zinc finger domain 2B; minus strand). Cytogenetic location: 2q24.2.
Variant type: single nucleotide variant.
Coding change: c.697-9G>A on transcript NM_013450.4 (MANE Select); 9 bases into the intron before coding-DNA position 697, G replaced by A.
Molecular consequence: intron variant.
Genome position (GRCh38, 1-based): chr2:159,439,221, C>T on the plus strand (G>A on the coding strand, the complement: BAZ2B is on the minus strand). VCF-style: chr2-159439221-C-T. GRCh37 (hg19) VCF-style: chr2-160295732-C-T.
Other names: c.691-9G>A (NM_001289975.1); c.508-9G>A (NM_001329857.2); c.697-9G>A (NM_001329858.2).
Identifiers: ClinVar variation 3055390 (VCV003055390.2), dbSNP rs13417010, ClinGen allele CA1925060.